The following is an entry in ClinVar:

NM_080680.3(COL11A2):c.3059G>A (p.Arg1020Gln)

Gene: COL11A2 (collagen type XI alpha 2 chain; minus strand). Cytogenetic location: 6p21.32.
Variant type: single nucleotide variant.
Coding change: c.3059G>A on transcript NM_080680.3 (MANE Select); coding-DNA position 3059, G replaced by A.
Protein change: p.Arg1020Gln; replaces arginine 1020 with glutamine.
Molecular consequence: missense variant.
Genome position (GRCh38, 1-based): chr6:33,171,804, C>T on the plus strand (G>A on the coding strand, the complement: COL11A2 is on the minus strand). VCF-style: chr6-33171804-C-T. GRCh37 (hg19) VCF-style: chr6-33139581-C-T.
Other names: p.Arg1020Gln; c.2738G>A, p.Arg913Gln (NM_080679.3); c.2801G>A, p.Arg934Gln (NM_080681.3); short protein forms R913Q, R934Q, R1020Q.
Identifiers: ClinVar variation 1502435 (VCV001502435.10), dbSNP rs779998311, ClinGen allele CA3750646.

ClinVar aggregate classification (germline): Conflicting classifications of pathogenicity. Review status: criteria provided, conflicting classifications (1 of 4 stars). 3 submissions from 3 submitters: Uncertain significance (2); Likely benign (1). Last evaluated 2025-06-23.

Conditions:
Autosomal dominant nonsyndromic hearing loss 13. Identifiers: Orphanet 90635, MedGen C1866095, MONDO:0011159, OMIM 601868.

Allele frequency attached by ClinVar (database versions not stated): gnomAD 0.00001; ExAC 0.00002; gnomAD exomes 0.00002; TOPMed 0.00002.
gnomAD v4.1: 31 of 1,612,800 alleles (0.0019%); highest among the groups gnomAD compares: South Asian, 0.013%; no homozygotes.

Submissions (3):

Labcorp Genetics (formerly Invitae), Labcorp
Classification: Likely benign. Last evaluated: 2025-06-23. Review status: criteria provided, single submitter. Criteria: Invitae Variant Classification Sherloc (09022015). Collection method: clinical testing. Allele origin: germline.

Blueprint Genetics
Classification: Uncertain significance. Last evaluated: 2024-06-28. Review status: criteria provided, single submitter. Criteria: ACMG Guidelines, 2015. Collection method: clinical testing. Allele origin: germline.

Foundation for Research in Genetics and Endocrinology, FRIGE's Institute of Human Genetics
Classification: Uncertain significance for Autosomal dominant nonsyndromic hearing loss 13. Last evaluated: 2022-05-02. Review status: criteria provided, single submitter. Criteria: ACMG Guidelines, 2015. Collection method: clinical testing. Allele origin: germline. Inheritance: Autosomal dominant inheritance. Affected: yes. Observed: 1 heterozygote.
Comment: A heterozygous missense variation in exon 42 of the COL11A2 gene that results in the amino acid substitution of Glutamine for Arginine at codon 1020 was detected. The observed variant c.3059G>A (p.Arg1020Gln) has not been reported in the 1000 genomes databases and minor allele frequency of 0.001% in the gnomAD. The in silico prediction of the variant are possibly damaging by PolyPhen-2 (HumDiv) and damaging by LRT and MutationTaster2. The reference codon is conserved across species. In summary, the variant meets the criteria to be classified as variant of uncertain significance.